The following is an entry in ClinVar:

ClinVar aggregate classification (germline): Uncertain significance. Review status: criteria provided, multiple submitters, no conflicts (2 of 4 stars). 2 submissions from 2 submitters: Uncertain significance (2). Last evaluated 2025-02-06.

Conditions:
Familial thoracic aortic aneurysm and aortic dissection (TAAD). Also called: Thoracic aortic aneurysms and dissections. Identifiers: Orphanet 91387, MedGen C4707243, MONDO:0019625.
Aortic aneurysm, familial thoracic 7 (AAT7). Also called: AORTIC DISSECTION, FAMILIAL, WITH OR WITHOUT AORTIC ANEURYSM. Identifiers: MedGen C3151077, MONDO:0013418, OMIM 613780.

Allele frequency attached by ClinVar (database versions not stated): gnomAD exomes 0.00001; TOPMed 0.00007; gnomAD 0.00009.
gnomAD v4.1: 24 of 1,614,102 alleles (0.0015%); highest among the groups gnomAD compares: Admixed American, 0.028%; no homozygotes.

Submissions (2):

Labcorp Genetics (formerly Invitae), Labcorp
Classification: Uncertain significance for Aortic aneurysm, familial thoracic 7. Last evaluated: 2025-02-06. Review status: criteria provided, single submitter. Criteria: Invitae Variant Classification Sherloc (09022015). Collection method: clinical testing. Allele origin: germline.
Comment: This sequence change replaces serine, which is neutral and polar, with asparagine, which is neutral and polar, at codon 90 of the MYLK protein (p.Ser90Asn). This variant is present in population databases (rs201064955, gnomAD 0.01%). This variant has not been reported in the literature in individuals affected with MYLK-related conditions. ClinVar contains an entry for this variant (Variation ID: 1794886). Invitae Evidence Modeling of protein sequence and biophysical properties (such as structural, functional, and spatial information, amino acid conservation, physicochemical variation, residue mobility, and thermodynamic stability) indicates that this missense variant is not expected to disrupt MYLK protein function with a negative predictive value of 95%. In summary, the available evidence is currently insufficient to determine the role of this variant in disease. Therefore, it has been classified as a Variant of Uncertain Significance.

Ambry Genetics
Classification: Uncertain significance for Familial thoracic aortic aneurysm and aortic dissection. Last evaluated: 2023-10-12. Review status: criteria provided, single submitter. Criteria: Ambry Variant Classification Scheme 2023. Collection method: clinical testing. Allele origin: germline.
Comment: The p.S90N variant (also known as c.269G>A), located in coding exon 2 of the MYLK gene, results from a G to A substitution at nucleotide position 269. The serine at codon 90 is replaced by asparagine, an amino acid with highly similar properties. This amino acid position is conserved. In addition, this alteration is predicted to be tolerated by in silico analysis. Since supporting evidence is limited at this time, the clinical significance of this alteration remains unclear.

NM_053025.4(MYLK):c.269G>A (p.Ser90Asn)

Gene: MYLK (myosin light chain kinase; minus strand). Cytogenetic location: 3q21.1.
Variant type: single nucleotide variant.
Coding change: c.269G>A on transcript NM_053025.4 (MANE Select); coding-DNA position 269, G replaced by A.
Protein change: p.Ser90Asn; replaces serine 90 with asparagine.
Molecular consequence: missense variant. On other transcripts: intron variant (1).
Genome position (GRCh38, 1-based): chr3:123,752,435, C>T on the plus strand (G>A on the coding strand, the complement: MYLK is on the minus strand). VCF-style: chr3-123752435-C-T. GRCh37 (hg19) VCF-style: chr3-123471282-C-T.
Other names: c.269G>A, p.Ser90Asn (NM_053026.4, NM_053027.4, NM_053028.4); c.-155-12434G>A (NM_001321309.2); short protein forms S90N.
Identifiers: ClinVar variation 1794886 (VCV001794886.3), dbSNP rs201064955, ClinGen allele CA82953023.